The following is an entry in ClinVar:

NM_015178.3(RHOBTB2):c.787C>G (p.Pro263Ala)

Gene: RHOBTB2 (Rho related BTB domain containing 2; plus strand). Cytogenetic location: 8p21.3.
Variant type: single nucleotide variant.
Coding change: c.787C>G on transcript NM_015178.3 (MANE Select); coding-DNA position 787, C replaced by G.
Protein change: p.Pro263Ala; replaces proline 263 with alanine.
Molecular consequence: missense variant.
Genome position (GRCh38, 1-based): chr8:23,007,032, C>G. VCF-style: chr8-23007032-C-G. GRCh37 (hg19) VCF-style: chr8-22864545-C-G.
Other names: c.853C>G, p.Pro285Ala (NM_001160036.2); c.808C>G, p.Pro270Ala (NM_001160037.2); c.787C>G, p.Pro263Ala (NM_001374791.1); short protein forms P263A, P270A, P285A.
Identifiers: ClinVar variation 4689553 (VCV004689553.1).

ClinVar aggregate classification (germline): Uncertain significance (1 of 4 stars; one submission).

gnomAD v4.1: 2 of 1,608,718 alleles (0.00012%); highest among the groups gnomAD compares: Admixed American, 0.0017%; no homozygotes.

Submission:

Women's Health and Genetics/Laboratory Corporation of America, LabCorp
Classification: Uncertain significance. Last evaluated: 2026-01-07. Review status: criteria provided, single submitter. Criteria: LabCorp Variant Classification Summary - May 2015. Collection method: clinical testing. Allele origin: germline.
Comment: Variant summary: RHOBTB2 c.853C>G (p.Pro285Ala) results in a non-conservative amino acid change in the encoded protein sequence. Algorithms developed to predict the effect of missense changes on protein structure and function are either unavailable or do not agree on the potential impact of this missense change. The variant was absent in 245756 control chromosomes. The available data on variant occurrences in the general population are insufficient to allow any conclusion about variant significance. To our knowledge, no occurrence of c.853C>G in individuals affected with RHOBTB2-related conditions and no experimental evidence demonstrating its impact on protein function have been reported. No submitters have cited clinical-significance assessments for this variant to ClinVar. Based on the evidence outlined above, the variant was classified as uncertain significance.